The following is an entry in ClinVar:

NM_014920.5(CILK1):c.1892G>A (p.Arg631Gln)

Gene: CILK1 (ciliogenesis associated kinase 1; minus strand). Cytogenetic location: 6p12.1.
Variant type: single nucleotide variant.
Coding change: c.1892G>A on transcript NM_014920.5 (MANE Select); coding-DNA position 1892, G replaced by A.
Protein change: p.Arg631Gln; replaces arginine 631 with glutamine.
Molecular consequence: missense variant. On other transcripts: non-coding transcript variant (1).
Genome position (GRCh38, 1-based): chr6:53,005,156, C>T on the plus strand (G>A on the coding strand, the complement: CILK1 is on the minus strand). VCF-style: chr6-53005156-C-T. GRCh37 (hg19) VCF-style: chr6-52869954-C-T.
Other names: c.1913G>A, p.Arg638Gln (NM_001375397.1); c.1892G>A, p.Arg631Gln (NM_001375398.1, NM_001375399.1, NM_001375400.1 and 3 more transcripts); c.1892G>A (NM_016513.4); short protein forms R631Q, R638Q.
Identifiers: ClinVar variation 3336198 (VCV003336198.3).
Genomic context (GRCh38, chr6:53,005,156, plus strand): 5'-AGGGAAAGTATCCTGCTTCTCCCTAGGAAGAGATTCATCACCAAGGCAGACAGTCATCGC[C>T]GAGATGCGTACTTGGAAGCCCAGTCTGTCCGGCCATGCACTGGCTGGGCGGCTGGAGGCC-3'
Protein context (NP_055735.1, residues 621-632): RTDWASKYAS[Arg631Gln]R

ClinVar aggregate classification (germline): Uncertain significance. Review status: criteria provided, multiple submitters, no conflicts (2 of 4 stars). 2 submissions from 2 submitters: Uncertain significance (2). Last evaluated 2025-10-28.

gnomAD v4.1: 50 of 1,614,124 alleles (0.0031%); highest among the groups gnomAD compares: African/African-American, 0.029%; 1 homozygote.

Submissions (2):

Women's Health and Genetics/Laboratory Corporation of America, LabCorp
Classification: Uncertain significance. Last evaluated: 2025-10-28. Review status: criteria provided, single submitter. Criteria: LabCorp Variant Classification Summary - May 2015. Collection method: clinical testing. Allele origin: germline.
Comment: Variant summary: CILK1 c.1892G>A (p.Arg631Gln) results in a conservative amino acid change in the encoded protein sequence. Algorithms developed to predict the effect of missense changes on protein structure and function are either unavailable or do not agree on the potential impact of this missense change. The variant was absent in 282672 control chromosomes. The available data on variant occurrences in the general population are insufficient to allow any conclusion about variant significance. To our knowledge, no occurrence of c.1892G>A in individuals affected with CILK1-related conditions and no experimental evidence demonstrating its impact on protein function have been reported. ClinVar contains an entry for this variant (Variation ID: 3336198). Based on the evidence outlined above, the variant was classified as uncertain significance.

Ambry Genetics
Classification: Uncertain significance. Last evaluated: 2025-05-19. Review status: criteria provided, single submitter. Criteria: Ambry Variant Classification Scheme 2023. Collection method: clinical testing. Allele origin: germline.